The following is an entry in ClinVar:

NM_004656.4(BAP1):c.2118C>G (p.Ile706Met)

Gene: BAP1 (BRCA1 associated deubiquitinase 1; minus strand). Cytogenetic location: 3p21.1.
Variant type: single nucleotide variant.
Coding change: c.2118C>G on transcript NM_004656.4 (MANE Select); coding-DNA position 2118, C replaced by G.
Protein change: p.Ile706Met; replaces isoleucine 706 with methionine.
Molecular consequence: missense variant.
Genome position (GRCh38, 1-based): chr3:52,402,360, G>C on the plus strand (C>G on the coding strand, the complement: BAP1 is on the minus strand). VCF-style: chr3-52402360-G-C. GRCh37 (hg19) VCF-style: chr3-52436376-G-C.
Other names: c.2064C>G, p.Ile688Met (NM_001410772.1); short protein forms I688M, I706M.
Identifiers: ClinVar variation 3347409 (VCV003347409.1).

ClinVar aggregate classification (germline): Uncertain significance (0 of 4 stars; one submission).

Conditions:
BAP1-related disorder. Also called: BAP1-related condition.

Submission:

PreventionGenetics, part of Exact Sciences
Classification: Uncertain significance for BAP1-related condition. Last evaluated: 2024-09-01. Review status: no assertion criteria provided. Collection method: clinical testing. Allele origin: germline.
Comment: The BAP1 c.2118C>G variant is predicted to result in the amino acid substitution p.Ile706Met. To our knowledge, this variant has not been reported in the literature or in gnomAD, indicating this variant is rare. This variant has not been reported in ClinVar. At this time, the clinical significance of this variant is uncertain due to the absence of conclusive functional and genetic evidence.